The following is an entry in ClinVar:

ClinVar aggregate classification (germline): Uncertain significance (1 of 4 stars; one submission).

Conditions:
Hereditary cancer-predisposing syndrome. Also called: Neoplastic Syndromes, Hereditary; Tumor predisposition; Hereditary Cancer Syndrome; Hereditary neoplastic syndrome. Identifiers: Orphanet 140162, MedGen C0027672, MeSH D009386, MONDO:0015356.

Submission:

Ambry Genetics
Classification: Uncertain significance for Hereditary cancer-predisposing syndrome. Last evaluated: 2026-05-23. Review status: criteria provided, single submitter. Criteria: Ambry Variant Classification Scheme 2023. Collection method: clinical testing. Allele origin: germline.
Comment: The p.K920N variant (also known as c.2760A>T), located in coding exon 11 of the MET gene, results from an A to T substitution at nucleotide position 2760. The lysine at codon 920 is replaced by asparagine, an amino acid with similar properties. This amino acid position is conserved. In addition, this alteration is predicted to be tolerated by in silico analysis. Based on the available evidence, the clinical significance of this variant remains unclear.

NM_000245.4(MET):c.2706A>T (p.Lys902Asn)

Gene: MET (MET proto-oncogene, receptor tyrosine kinase; plus strand). Cytogenetic location: 7q31.2.
Variant type: single nucleotide variant.
Coding change: c.2706A>T on transcript NM_000245.4 (MANE Select); coding-DNA position 2706, A replaced by T.
Protein change: p.Lys902Asn; replaces lysine 902 with asparagine.
Molecular consequence: missense variant.
Genome position (GRCh38, 1-based): chr7:116,769,767, A>T. VCF-style: chr7-116769767-A-T. GRCh37 (hg19) VCF-style: chr7-116409821-A-T.
Other names: c.2760A>T, p.Lys920Asn (NM_001127500.3); c.2706A>T, p.Lys902Asn (NM_001324401.3); c.1416A>T, p.Lys472Asn (NM_001324402.2); short protein forms K472N, K902N, K920N.
Identifiers: ClinVar variation 4859996 (VCV004859996.1).
Genomic context (GRCh38, chr7:116,769,767, plus strand): 5'-TGAGAATATACACTTACATTCTGAAGCCGTTTTATGCACGGTCCCCAATGACCTGCTGAA[A>T]TTGAACAGCGAGCTAAATATAGAGGTGGGATTCCTGCATTCCTCTCATGATGTAAATAAG-3'
Protein context (NP_000236.2, residues 892-912): VLCTVPNDLL[Lys902Asn]LNSELNIEWK